The following is an entry in ClinVar:

ClinVar aggregate classification (germline): Uncertain significance. Review status: criteria provided, multiple submitters, no conflicts (2 of 4 stars). 4 submissions from 4 submitters: Uncertain significance (4). Last evaluated 2025-09-11.

Conditions:
Global developmental delay - lung cysts - overgrowth - Wilms tumor syndrome. Also called: GLOW Syndrome; GLOBAL DEVELOPMENTAL DELAY, LUNG CYSTS, OVERGROWTH, AND WILMS TUMOR. Identifiers: Orphanet 404476, MedGen C4748924, MONDO:0018445, OMIM 618272.
Hereditary cancer-predisposing syndrome. Also called: Neoplastic Syndromes, Hereditary; Hereditary neoplastic syndrome; Tumor predisposition; Hereditary Cancer Syndrome. Identifiers: Orphanet 140162, MedGen C0027672, MeSH D009386, MONDO:0015356.
DICER1-related tumor predisposition. Also called: DICER1 syndrome; DICER1-related pleuropulmonary blastoma cancer predisposition syndrome. Identifiers: Orphanet 284343, MedGen C3839822, MONDO:0100216.

Allele frequency attached by ClinVar (database versions not stated): gnomAD 0.00001; gnomAD exomes 0.00001 and 0.00002; TOPMed 0.00001; ExAC 0.00003.
gnomAD v4.1: 16 of 1,613,912 alleles (0.00099%); highest among the groups gnomAD compares: South Asian, 0.012%; no homozygotes.

Submissions (4):

Quest Diagnostics Nichols Institute San Juan Capistrano
Classification: Uncertain significance. Last evaluated: 2025-09-11. Review status: criteria provided, single submitter. Criteria: Quest Diagnostics criteria. Collection method: clinical testing. Allele origin: unknown.
Comment: The DICER1 c.3304A>G (p.Ile1102Val) variant has not been reported in individuals with DICER1-related conditions in the published literature. The frequency of this variant in the general population (Genome Aggregation Database) is higher than would generally be expected for pathogenic variants in this gene. Analysis of this variant using bioinformatics tools for the prediction of the effect of amino acid changes on protein structure and function yielded predictions that this variant is benign. Based on the available information, we are unable to determine the clinical significance of this variant.

Labcorp Genetics (formerly Invitae), Labcorp
Classification: Uncertain significance for DICER1-related tumor predisposition. Last evaluated: 2025-07-08. Review status: criteria provided, single submitter. Criteria: Invitae Variant Classification Sherloc (09022015). Collection method: clinical testing. Allele origin: germline.
Comment: This sequence change replaces isoleucine, which is neutral and non-polar, with valine, which is neutral and non-polar, at codon 1102 of the DICER1 protein (p.Ile1102Val). This variant is present in population databases (rs750159753, gnomAD 0.01%). This variant has not been reported in the literature in individuals affected with DICER1-related conditions. ClinVar contains an entry for this variant (Variation ID: 661705). Invitae Evidence Modeling of protein sequence and biophysical properties (such as structural, functional, and spatial information, amino acid conservation, physicochemical variation, residue mobility, and thermodynamic stability) indicates that this missense variant is not expected to disrupt DICER1 protein function with a negative predictive value of 95%. In summary, the available evidence is currently insufficient to determine the role of this variant in disease. Therefore, it has been classified as a Variant of Uncertain Significance.

Baylor Genetics
Classification: Uncertain significance for Global developmental delay - lung cysts - overgrowth - Wilms tumor syndrome. Last evaluated: 2024-03-06. Review status: criteria provided, single submitter. Criteria: ACMG Guidelines, 2015. Collection method: clinical testing. Allele origin: unknown.

Ambry Genetics
Classification: Uncertain significance for Hereditary cancer-predisposing syndrome. Last evaluated: 2023-05-03. Review status: criteria provided, single submitter. Criteria: Ambry Variant Classification Scheme 2023. Collection method: clinical testing. Allele origin: germline.
Comment: The p.I1102V variant (also known as c.3304A>G), located in coding exon 20 of the DICER1 gene, results from an A to G substitution at nucleotide position 3304. The isoleucine at codon 1102 is replaced by valine, an amino acid with highly similar properties. This amino acid position is highly conserved in available vertebrate species. In addition, this alteration is predicted to be tolerated by in silico analysis. Since supporting evidence is limited at this time, the clinical significance of this alteration remains unclear.

Literature cited by the submitters: PubMed 24728327 (cited by Ambry Genetics).

NM_177438.3(DICER1):c.3304A>G (p.Ile1102Val)

Gene: DICER1 (dicer 1, ribonuclease III; minus strand). Cytogenetic location: 14q32.13.
Variant type: single nucleotide variant.
Coding change: c.3304A>G on transcript NM_177438.3 (MANE Select); coding-DNA position 3304, A replaced by G.
Protein change: p.Ile1102Val; replaces isoleucine 1102 with valine.
Molecular consequence: missense variant.
Genome position (GRCh38, 1-based): chr14:95,104,092, T>C on the plus strand (A>G on the coding strand, the complement: DICER1 is on the minus strand). VCF-style: chr14-95104092-T-C. GRCh37 (hg19) VCF-style: chr14-95570429-T-C.
Other names: c.3304A>G, p.Ile1102Val (NM_001195573.1, NM_001271282.3, NM_001291628.2 and 1 more transcripts); short protein forms I1102V.
Identifiers: ClinVar variation 661705 (VCV000661705.16), dbSNP rs750159753, ClinGen allele CA7331059.